The following is an entry in ClinVar:

ClinVar aggregate classification (germline): Uncertain significance (1 of 4 stars; one submission).

Conditions:
Ehlers-Danlos syndrome, type 4 (EDSVASC). Also called: Ehlers-Danlos syndrome vascular type; Ehlers Danlos syndrome, ecchymotic type; Ehlers Danlos syndrome, arterial type; Ehlers Danlos syndrome, Sack-Barabas type; Ehlers-Danlos Syndrome Type IV. Identifiers: Orphanet 286, MedGen C0268338, MONDO:0017314, OMIM 130050.

Submission:

Labcorp Genetics (formerly Invitae), Labcorp
Classification: Uncertain significance for Ehlers-Danlos syndrome, type 4. Last evaluated: 2025-12-25. Review status: criteria provided, single submitter. Criteria: Invitae Variant Classification Sherloc (09022015). Collection method: clinical testing. Allele origin: germline.
Comment: This sequence change replaces alanine, which is neutral and non-polar, with valine, which is neutral and non-polar, at codon 1117 of the COL3A1 protein (p.Ala1117Val). This variant is not present in population databases (gnomAD no frequency). This variant has not been reported in the literature in individuals affected with COL3A1-related conditions. ClinVar contains an entry for this variant (Variation ID: 3617171). Invitae Evidence Modeling of protein sequence and biophysical properties (such as structural, functional, and spatial information, amino acid conservation, physicochemical variation, residue mobility, and thermodynamic stability) indicates that this missense variant is not expected to disrupt COL3A1 protein function with a negative predictive value of 95%. In summary, the available evidence is currently insufficient to determine the role of this variant in disease. Therefore, it has been classified as a Variant of Uncertain Significance.

NM_000090.4(COL3A1):c.3350C>T (p.Ala1117Val)

Gene: COL3A1 (collagen type III alpha 1 chain; plus strand). Cytogenetic location: 2q32.2.
Variant type: single nucleotide variant.
Coding change: c.3350C>T on transcript NM_000090.4 (MANE Select); coding-DNA position 3350, C replaced by T.
Protein change: p.Ala1117Val; replaces alanine 1117 with valine.
Molecular consequence: missense variant.
Genome position (GRCh38, 1-based): chr2:189,007,594, C>T. VCF-style: chr2-189007594-C-T. GRCh37 (hg19) VCF-style: chr2-189872320-C-T.
Other names: short protein forms A1117V.
Identifiers: ClinVar variation 3617171 (VCV003617171.2).